The following is an entry in ClinVar:

NM_000038.6(APC):c.3463G>T (p.Glu1155Ter)

Gene: APC (APC regulator of Wnt signaling pathway; plus strand). Cytogenetic location: 5q22.2.
Variant type: single nucleotide variant.
Coding change: c.3463G>T on transcript NM_000038.6 (MANE Select); coding-DNA position 3463, G replaced by T.
Protein change: p.Glu1155Ter; replaces glutamic acid 1155 with a stop codon.
Molecular consequence: nonsense.
Genome position (GRCh38, 1-based): chr5:112,839,057, G>T. VCF-style: chr5-112839057-G-T. GRCh37 (hg19) VCF-style: chr5-112174754-G-T.
Other names: c.3463G>T, p.Glu1155Ter (NM_001127510.3, NM_001354895.2, NM_001407450.1); c.3409G>T, p.Glu1137Ter (NM_001127511.3); c.3517G>T, p.Glu1173Ter (NM_001354896.2, NM_001407447.1, NM_001407448.1 and 1 more transcripts); c.3493G>T, p.Glu1165Ter (NM_001354897.2); c.3388G>T, p.Glu1130Ter (NM_001354898.2); c.3379G>T, p.Glu1127Ter (NM_001354899.2); c.3340G>T, p.Glu1114Ter (NM_001354900.2); c.3286G>T, p.Glu1096Ter (NM_001354901.2, NM_001407453.1); and 11 more; short protein forms E1127*, E995*, E1072*, E1148*, E1155*, E1029*, E1064*, E1096*.
Identifiers: ClinVar variation 2203689 (VCV002203689.4), dbSNP rs774847322, ClinGen allele CA16028932.

ClinVar aggregate classification (germline): Pathogenic (1 of 4 stars; one submission).

Conditions:
Familial adenomatous polyposis 1 (FAP1). Also called: POLYPOSIS, ADENOMATOUS INTESTINAL; FAMILIAL ADENOMATOUS POLYPOSIS 1, ATTENUATED. Identifiers: MedGen C2713442, MONDO:0021056, OMIM 175100. Disease mechanism: loss of function.

Submission:

Labcorp Genetics (formerly Invitae), Labcorp
Classification: Pathogenic for Familial adenomatous polyposis 1. Last evaluated: 2022-07-28. Review status: criteria provided, single submitter. Criteria: Invitae Variant Classification Sherloc (09022015). Collection method: clinical testing. Allele origin: germline.
Comment: A different truncation (p.Tyr2645Lysfs*14) that lies downstream of this variant has been determined to be pathogenic (PMID: 9824584, 1316610, 27081525, 8381579, 22135120, Invitae). This suggests that deletion of this region of the APC protein is causative of disease. This sequence change creates a premature translational stop signal (p.Glu1155*) in the APC gene. While this is not anticipated to result in nonsense mediated decay, it is expected to disrupt the last 1689 amino acid(s) of the APC protein. This variant is not present in population databases (gnomAD no frequency). This premature translational stop signal has been observed in individual(s) with familial adenomatous polyposis (PMID: 11748858). For these reasons, this variant has been classified as Pathogenic. This variant is expected to disrupt the EB1 and HDLG binding sites, which mediate interactions with the cytoskeleton (PMID: 15311282, 17293347). While functional studies have not been performed to directly test the effect on APC protein function, this suggests that disruption of the C-terminal portion of the protein is functionally important.

Literature cited by the submitters: PubMed 9824584; PubMed 1316610; PubMed 27081525; PubMed 8381579; PubMed 22135120; PubMed 11748858; PubMed 15311282; PubMed 17293347.